The following is an entry in ClinVar:

ClinVar aggregate classification (germline): Likely pathogenic (1 of 4 stars; one submission).

Submission:

Dasa
Classification: Likely pathogenic. Last evaluated: 2024-06-13. Review status: criteria provided, single submitter. Criteria: DASA Assertion Criteria. Collection method: clinical testing. Allele origin: germline.
Comment: NM_003482.4(KMT2D):c.3520C>T (p.Gln1174*) is a nonsense variant in KMT2D predicted to introduce a premature termination codon and is predicted to result in an absent or altered protein product. Loss of function is an established disease mechanism for KMT2D (PMID: 20711175; PMID: 21671394; PMID: 21607748). Also, this variant is rare in population databases. Based on the currently available evidence, this variant is classified as likely pathogenic.

Literature cited by the submitters: PubMed 20711175; PubMed 21671394; PubMed 21607748.

NM_003482.4(KMT2D):c.3520C>T (p.Gln1174Ter)

Genes: KMT2D (lysine methyltransferase 2D; minus strand), LOC126861520 (CDK7 strongly-dependent group 2 enhancer GRCh37_chr12:49442744-49443943; plus strand). Cytogenetic location: 12q13.12.
Variant type: single nucleotide variant.
Coding change: c.3520C>T on transcript NM_003482.4 (MANE Select); coding-DNA position 3520, C replaced by T.
Protein change: p.Gln1174Ter; replaces glutamine 1174 with a stop codon.
Molecular consequence: nonsense.
Genome position (GRCh38, 1-based): chr12:49,050,068, G>A on the plus strand (C>T on the coding strand, the complement: KMT2D is on the minus strand). VCF-style: chr12-49050068-G-A. GRCh37 (hg19) VCF-style: chr12-49443851-G-A.
Other names: short protein forms Q1174*.
Identifiers: ClinVar variation 4883371 (VCV004883371.2).
Genomic context (GRCh38, chr12:49,050,068, plus strand): 5'-GGGCCACCGGTGCACGTGGCTCTTCCTGTTCTTCACATGGTGAGCCCTGCCCTGCTGTCT[G>A]CTTGCATTCGGGGTAGACCTCCATAGGGGTCACAGGGGCCAGCTCCTCGGGGTCCAGGAG-3'